The following is an entry in ClinVar:

NM_021961.6(TEAD1):c.589_591del (p.Ser197del)

Gene: TEAD1 (TEA domain transcription factor 1; plus strand). Cytogenetic location: 11p15.3.
Variant type: Deletion.
Coding change: c.589_591del on transcript NM_021961.6 (MANE Select); coding-DNA positions 589 to 591, 3 bases deleted (TCG; older notation c.589_591delTCG).
Protein change: p.Ser197del; deletes serine 197.
Molecular consequence: inframe deletion.
Genome position (GRCh38, 1-based): chr11:12,883,015-12,883,017, TCG deleted. VCF-style (leftmost placement, unchanged base first): chr11-12883014-ATCG-A. GRCh37 (hg19) VCF-style: chr11-12904561-ATCG-A.
Other names: short protein forms S197del.
Identifiers: ClinVar variation 2993762 (VCV002993762.4), dbSNP rs1948002465, ClinGen allele CA1953037938.
Genomic context (GRCh38, chr11:12,883,014, plus strand): 5'-AAGGGGAGGTGAGTGACCAGCATCAAAGGTGACGATTGCTCTTTCAGGGTTTGAGCCTGC[ATCG>A]GCCCCAGCTCCCTCAGTCCCTGCCTGGCAAGGTCGCTCCATTGGCACAACCAAGCTTCGC-3'

ClinVar aggregate classification (germline): Uncertain significance. Review status: criteria provided, multiple submitters, no conflicts (2 of 4 stars). 2 submissions from 2 submitters: Uncertain significance (2). Last evaluated 2025-03-10.

Allele frequency attached by ClinVar (database versions not stated): TOPMed below 0.00001.

Submissions (2):

Labcorp Genetics (formerly Invitae), Labcorp
Classification: Uncertain significance. Last evaluated: 2025-03-10. Review status: criteria provided, single submitter. Criteria: Invitae Variant Classification Sherloc (09022015). Collection method: clinical testing. Allele origin: germline.
Comment: This variant, c.589_591del, results in the deletion of 1 amino acid(s) of the TEAD1 protein (p.Ser197del), but otherwise preserves the integrity of the reading frame. This variant is not present in population databases (gnomAD no frequency). This variant has not been reported in the literature in individuals affected with TEAD1-related conditions. ClinVar contains an entry for this variant (Variation ID: 2993762). Experimental studies and prediction algorithms are not available or were not evaluated, and the functional significance of this variant is currently unknown. In summary, the available evidence is currently insufficient to determine the role of this variant in disease. Therefore, it has been classified as a Variant of Uncertain Significance.

Blueprint Genetics
Classification: Uncertain significance. Last evaluated: 2022-12-14. Review status: criteria provided, single submitter. Criteria: ACMG Guidelines, 2015. Collection method: clinical testing. Allele origin: germline.